The following is an entry in ClinVar:

NM_014141.6(CNTNAP2):c.931G>A (p.Asp311Asn)

Gene: CNTNAP2 (contactin associated protein 2; plus strand). Cytogenetic location: 7q35.
Variant type: single nucleotide variant.
Coding change: c.931G>A on transcript NM_014141.6 (MANE Select); coding-DNA position 931, G replaced by A.
Protein change: p.Asp311Asn; replaces aspartic acid 311 with asparagine.
Molecular consequence: missense variant.
Genome position (GRCh38, 1-based): chr7:147,121,155, G>A. VCF-style: chr7-147121155-G-A. GRCh37 (hg19) VCF-style: chr7-146818247-G-A.
Other names: c.931G>A (NM_014141.5); short protein forms D311N.
Identifiers: ClinVar variation 1055225 (VCV001055225.12), dbSNP rs2129282747, ClinGen allele CA369924084.
Genomic context (GRCh38, chr7:147,121,155, plus strand): 5'-ACTCTGGACAGGAGCATGCAGCACTTCCGTACCAATGGAGAGTTTGACTACCTGGACTTG[G>A]ACTATGAGGTACATGTGATGACGTAGAAATTGTAATAAAATGTCAAGCAATTGTGTCACT-3'
Protein context (NP_054860.1, residues 301-321): TNGEFDYLDL[Asp311Asn]YEITFGGIPF

ClinVar aggregate classification (germline): Uncertain significance. Review status: criteria provided, multiple submitters, no conflicts (2 of 4 stars). 2 submissions from 2 submitters: Uncertain significance (2). Last evaluated 2024-09-08.

Conditions:
Cortical dysplasia-focal epilepsy syndrome (PTHSL1). Also called: Pitt-Hopkins-like syndrome 1. Identifiers: Orphanet 163681, Orphanet 221150, MedGen C2750246, MONDO:0012400, OMIM 610042.

Submissions (2):

GeneDx
Classification: Uncertain significance. Last evaluated: 2024-09-08. Review status: criteria provided, single submitter. Criteria: GeneDx Variant Classification Process June 2021. Collection method: clinical testing. Allele origin: germline. Affected: yes.
Comment: Not observed at significant frequency in large population cohorts (gnomAD); In silico analysis supports that this missense variant has a deleterious effect on protein structure/function; Has not been previously published as pathogenic or benign to our knowledge

Labcorp Genetics (formerly Invitae), Labcorp
Classification: Uncertain significance for Cortical dysplasia-focal epilepsy syndrome. Last evaluated: 2022-11-08. Review status: criteria provided, single submitter. Criteria: Invitae Variant Classification Sherloc (09022015). Collection method: clinical testing. Allele origin: germline.
Comment: ClinVar contains an entry for this variant (Variation ID: 1055225). Algorithms developed to predict the effect of missense changes on protein structure and function are either unavailable or do not agree on the potential impact of this missense change (SIFT: "Deleterious"; PolyPhen-2: "Possibly Damaging"; Align-GVGD: "Class C0"). In summary, the available evidence is currently insufficient to determine the role of this variant in disease. Therefore, it has been classified as a Variant of Uncertain Significance. This variant has not been reported in the literature in individuals affected with CNTNAP2-related conditions. This sequence change replaces aspartic acid, which is acidic and polar, with asparagine, which is neutral and polar, at codon 311 of the CNTNAP2 protein (p.Asp311Asn). This variant is not present in population databases (gnomAD no frequency).